The following is an entry in ClinVar:

NM_002890.3(RASA1):c.1610+3A>G

Genes: CCNH (cyclin H; minus strand), RASA1 (RAS p21 protein activator 1; plus strand). Cytogenetic location: 5q14.3.
Variant type: single nucleotide variant.
Coding change: c.1610+3A>G on transcript NM_002890.3 (MANE Select); 3 bases into the intron after coding-DNA position 1610, A replaced by G.
Molecular consequence: intron variant.
Genome position (GRCh38, 1-based): chr5:87,363,507, A>G. VCF-style: chr5-87363507-A-G. GRCh37 (hg19) VCF-style: chr5-86659324-A-G.
Other names: c.1079+3A>G (NM_022650.3); c.933+31537T>C (NM_001364075.2).
Identifiers: ClinVar variation 2902299 (VCV002902299.3), dbSNP rs2531305003, ClinGen allele CA2674516275.

ClinVar aggregate classification (germline): Uncertain significance (1 of 4 stars; one submission).

Conditions:
Capillary malformation-arteriovenous malformation syndrome. Also called: Capillary malformation-arteriovenous malformation. Identifiers: Orphanet 137667, MedGen C1842180, MONDO:0012016.

Allele frequency attached by ClinVar (database versions not stated): gnomAD exomes below 0.00001.
gnomAD v4.1: 1 of 1,610,102 alleles (0.000062%); highest among the groups gnomAD compares: African/African-American, 0.0013%; no homozygotes.

Submission:

Labcorp Genetics (formerly Invitae), Labcorp
Classification: Uncertain significance for Capillary malformation-arteriovenous malformation syndrome. Last evaluated: 2025-10-26. Review status: criteria provided, single submitter. Criteria: Invitae Variant Classification Sherloc (09022015). Collection method: clinical testing. Allele origin: germline.
Comment: This sequence change falls in intron 11 of the RASA1 gene. It does not directly change the encoded amino acid sequence of the RASA1 protein. It affects a nucleotide within the consensus splice site. This variant is not present in population databases (gnomAD no frequency). This variant has not been reported in the literature in individuals affected with RASA1-related conditions. ClinVar contains an entry for this variant (Variation ID: 2902299). Variants that disrupt the consensus splice site are a relatively common cause of aberrant splicing (PMID: 17576681, 9536098). Algorithms developed to predict the effect of sequence changes on RNA splicing suggest that this variant may disrupt the consensus splice site. In summary, the available evidence is currently insufficient to determine the role of this variant in disease. Therefore, it has been classified as a Variant of Uncertain Significance.

Literature cited by the submitters: PubMed 17576681; PubMed 9536098.